The following is an entry in ClinVar:

ClinVar aggregate classification (germline): Conflicting classifications of pathogenicity. Review status: criteria provided, conflicting classifications (1 of 4 stars). 10 submissions from 10 submitters: Uncertain significance (5); Likely benign (4). 1 of the submissions does not count toward it. Last evaluated 2026-10-01.

Conditions:
Hereditary nonpolyposis colorectal neoplasms. Identifiers: MedGen C0009405, MeSH D003123.
Lynch syndrome 5 (LYNCH5). Also called: Colorectal cancer, hereditary nonpolyposis, type 5; Hereditary non-polyposis colorectal cancer, type 5. Identifiers: Orphanet 144, MedGen C1833477, MONDO:0013710, OMIM 614350. Disease mechanism: loss of function.
Mismatch repair cancer syndrome 3. Identifiers: MedGen C5436807, MONDO:0030841, OMIM 619097.
Endometrial carcinoma. Also called: Endometrial carcinoma, somatic. Identifiers: MedGen C0476089, MONDO:0002447, OMIM 608089, HP:0012114.
Hereditary cancer-predisposing syndrome. Also called: Neoplastic Syndromes, Hereditary; Tumor predisposition; Hereditary neoplastic syndrome; Hereditary Cancer Syndrome. Identifiers: Orphanet 140162, MedGen C0027672, MeSH D009386, MONDO:0015356.
Malignant tumor of breast. Also called: Malignant breast neoplasm; Cancer breast. Identifiers: MedGen C0006142, MONDO:0007254. Disease mechanism: loss of function.

Submissions (10):

St. Jude Molecular Pathology, St. Jude Children's Research Hospital
Classification: Uncertain significance for Lynch syndrome 5. Last evaluated: 2026-10-01. Review status: criteria provided, single submitter. Criteria: St. Jude Assertion Criteria 2020. Collection method: clinical testing. Allele origin: germline.
Comment: The MSH6 c.2561_2 562delinsTT p.(Lys854Ile) change results from the deletion of two nucleotides and insertion of two nucleotides, replacing one amino acid with a different amino acid. This variant was reported in an individual with colon cancer (PMID: 28125075). To our kn owledge, this variant has not been reported in individuals with Lynch syndrome or constitutional mismatch repair deficiency. In summary, the evidence currently available is insufficient to determine the clinical significance of this variant. It has therefore been classified as of uncertain significance.

Quest Diagnostics Nichols Institute San Juan Capistrano
Classification: Uncertain significance. Last evaluated: 2025-10-17. Review status: criteria provided, single submitter. Criteria: Quest Diagnostics criteria. Collection method: clinical testing. Allele origin: unknown.
Comment: The MSH6 c.2561_2562delinsTT (p.Lys854Ile) variant has been reported in the published in individuals with breast cancer (PMID: 32885271 (2021)) and colon cancer (PMID: 28125075 (2017)). This variant has also been identified in a reportedly unaffected individual (PMID: 33471991 (2021), see also LOVD). This variant has not been reported in large, multi-ethnic general populations (Genome Aggregation Database). Analysis of this variant using bioinformatics tools for the prediction of the effect of amino acid changes on protein structure and function yielded predictions that this variant is damaging. Based on the available information, we are unable to determine the clinical significance of this variant.

Ambry Genetics
Classification: Uncertain significance for Hereditary cancer-predisposing syndrome. Last evaluated: 2025-09-18. Review status: criteria provided, single submitter. Criteria: Ambry Variant Classification Scheme 2023. Collection method: clinical testing. Allele origin: germline.
Comment: The c.2561_2562delAGinsTT variant (also known as p.K854I), located in coding exon 4 of the MSH6 gene, results from an in-frame deletion of AG and insertion of TT at nucleotide positions 2561 to 2562. This results in the substitution of the lysine residue for an isoleucine residue at codon 854, an amino acid with dissimilar properties. This amino acid position is highly conserved in available vertebrate species. In addition, this alteration is predicted to be deleterious by in silico analysis (Choi Y et al. PLoS ONE. 2012; 7(10):e46688). Based on the available evidence, the clinical significance of this variant remains unclear.

Color Diagnostics, LLC DBA Color Health
Classification: Uncertain significance for Hereditary cancer-predisposing syndrome. Last evaluated: 2024-08-06. Review status: criteria provided, single submitter. Criteria: ACMG Guidelines, 2015. Collection method: clinical testing. Allele origin: germline.
Comment: This missense variant replaces lysine with isoleucine at codon 854 of the MSH6 protein. To our knowledge, functional studies have not been reported for this variant. This variant has been reported in an individual affected with colorectal cancer (PMID: 28125075). This variant is reported as two single nucleotide variants identified in 105/280696 chromosomes for chr2.GRCh37:g.48027683A>T and 22/280654 chromosomes for chr2.GRCh37:g.48027684G>T in the general population by the Genome Aggregation Database (gnomAD). The available evidence is insufficient to determine the role of this variant in disease conclusively. Therefore, this variant is classified as a Variant of Uncertain Significance.

Blueprint Genetics
Classification: Likely benign. Last evaluated: 2024-07-18. Review status: criteria provided, single submitter. Criteria: ACMG Guidelines, 2015. Collection method: clinical testing. Allele origin: germline.

Fulgent Genetics
Classification: Uncertain significance for Endometrial carcinoma; Lynch syndrome 5; Mismatch repair cancer syndrome 3. Last evaluated: 2024-05-23. Review status: criteria provided, single submitter. Criteria: ACMG Guidelines, 2015. Collection method: clinical testing. Allele origin: germline.

Women's Health and Genetics/Laboratory Corporation of America, LabCorp
Classification: Likely benign. Last evaluated: 2024-02-21. Review status: criteria provided, single submitter. Criteria: LabCorp Variant Classification Summary - May 2015. Collection method: clinical testing. Allele origin: germline.
Comment: Variant summary: MSH6 c.2561_2562delinsTT (p.Lys854Ile) results in a non-conservative amino acid change located in the core domain (IPR007696) of the encoded protein sequence. Four of five in-silico tools predict a damaging effect of the variant on protein function. The variant allele was found at a frequency of 7.8e-05 in 280654 control chromosomes, predominantly at a frequency of 0.0013 within the Ashkenazi Jewish subpopulation in the gnomAD database. The observed variant frequency within Ashkenazi Jewish control individuals in the gnomAD database is approximately 9-fold of the estimated maximal expected allele frequency for a pathogenic variant in MSH6 causing Hereditary Nonpolyposis Colorectal Cancer phenotype (0.00014), strongly suggesting that the variant is a benign polymorphism found primarily in populations of Ashkenazi Jewish origin. c.2561_2562delinsTT has been reported in the literature in individuals with personal and/or family history of colorectal cancer and other tumor phenotypes (e.g. Ghazani_2017, Zick_2015, Sahin_2022). These reports do not provide unequivocal conclusions about association of the variant with Hereditary Nonpolyposis Colorectal Cancer. To our knowledge, no experimental evidence demonstrating an impact on protein function has been reported. ClinVar contains an entry for this variant (Variation ID: 135836). Based on the evidence outlined above, the variant was classified as likely benign.

Sema4
Classification: Likely benign for Hereditary cancer-predisposing syndrome. Last evaluated: 2021-01-31. Review status: criteria provided, single submitter. Criteria: Sema4 Curation Guidelines. Collection method: curation. Allele origin: germline.

Labcorp Genetics (formerly Invitae), Labcorp
Classification: Likely benign for Hereditary nonpolyposis colorectal neoplasms. Last evaluated: 2019-03-26. Review status: criteria provided, single submitter. Criteria: Invitae Variant Classification Sherloc (09022015). Collection method: clinical testing. Allele origin: germline.

Department of Pathology and Laboratory Medicine, Sinai Health System
Classification: Uncertain significance for Malignant tumor of breast. Review status: no assertion criteria provided. Collection method: clinical testing. Allele origin: unknown. Affected: yes. Study: The Canadian Open Genetics Repository (COGR). Not counted in ClinVar's aggregate classification.
Comment: The MSH6 p.Lys854Ile variant was identified in 2 of 80 proband chromosomes (frequency: 0.03) from individuals or families with breast cancer (Zick 2015). The variant was also identified in dbSNP (ID: rs587780673) as "With Uncertain significance allele", ClinVar (classified as likely benign by Invitae; and as uncertain significance by Ambry Genetics and Color). The variant was not identified in UMD-LSDB. The variant was not identified in the following control databases: the Exome Aggregation Consortium (August 8th 2016) or the Genome Aggregation Database (Feb 27, 2017). The p.Lys854 residue is conserved across mammals and other organisms, and four out of four computational analyses (PolyPhen-2, SIFT, AlignGVGD, BLOSUM) suggest that the variant may impact the protein; however, this information is not predictive enough to assume pathogenicity. The variant occurs outside of the splicing consensus sequence and in silico or computational prediction software programs (SpliceSiteFinder, MaxEntScan, NNSPLICE, GeneSplicer) do not predict a difference in splicing. In summary, based on the above information, the clinical significance of this variant cannot be determined with certainty at this time. This variant is classified as a variant of uncertain significance.

Literature cited by the submitters: PubMed 28125075 (cited by 3 submitters); PubMed 33471991 (cited by Quest Diagnostics Nichols Institute San Juan Capistrano); PubMed 36845387 (cited by Quest Diagnostics Nichols Institute San Juan Capistrano and Women's Health and Genetics/Laboratory Corporation of America, LabCorp); PubMed 32885271 (cited by Quest Diagnostics Nichols Institute San Juan Capistrano); PubMed 35089076 (cited by Women's Health and Genetics/Laboratory Corporation of America, LabCorp).

NM_000179.3(MSH6):c.2561_2562delinsTT (p.Lys854Ile)

Gene: MSH6 (mutS homolog 6; plus strand). Cytogenetic location: 2p16.3.
Variant type: Indel.
Coding change: c.2561_2562delinsTT on transcript NM_000179.3 (MANE Select); coding-DNA positions 2561 to 2562, AG replaced by TT.
Protein change: p.Lys854Ile; replaces lysine 854 with isoleucine.
Molecular consequence: missense variant.
Genome position (GRCh38, 1-based): chr2:47,800,544-47,800,545, AG replaced by TT. VCF-style: chr2-47800544-AG-TT. GRCh37 (hg19) VCF-style: chr2-48027683-AG-TT.
Other names: c.2561_2562delAGinsTT (NM_000179.2); c.2171_2172delinsTT, p.Lys724Ile (NM_001281492.2); c.1655_1656delinsTT, p.Lys552Ile (NM_001281493.2, NM_001281494.2); short protein forms K552I, K724I, K854I.
Identifiers: ClinVar variation 135836 (VCV000135836.34), dbSNP rs587780673, ClinGen allele CA010405.